The following is an entry in ClinVar:

NM_001009944.3(PKD1):c.12448C>G (p.Arg4150Gly)

Gene: PKD1 (polycystin 1, transient receptor potential channel interacting; minus strand). Cytogenetic location: 16p13.3.
Variant type: single nucleotide variant.
Coding change: c.12448C>G on transcript NM_001009944.3 (MANE Select); coding-DNA position 12448, C replaced by G.
Protein change: p.Arg4150Gly; replaces arginine 4150 with glycine.
Molecular consequence: missense variant.
Genome position (GRCh38, 1-based): chr16:2,090,191, G>C on the plus strand (C>G on the coding strand, the complement: PKD1 is on the minus strand). VCF-style: chr16-2090191-G-C. GRCh37 (hg19) VCF-style: chr16-2140192-G-C.
Other names: c.12445C>G, p.Arg4149Gly (NM_000296.4); short protein forms R4149G, R4150G.
Identifiers: ClinVar variation 3777267 (VCV003777267.1).

ClinVar aggregate classification (germline): Uncertain significance (1 of 4 stars; one submission).

Submission:

GeneDx
Classification: Uncertain significance. Last evaluated: 2024-10-14. Review status: criteria provided, single submitter. Criteria: GeneDx Variant Classification Process June 2021. Collection method: clinical testing. Allele origin: germline. Affected: yes.
Comment: Not observed at significant frequency in large population cohorts (gnomAD); In silico analysis supports that this missense variant has a deleterious effect on protein structure/function; Has not been previously published as pathogenic or benign to our knowledge